The following is an entry in ClinVar:

NM_001875.5(CPS1):c.2308G>A (p.Val770Ile)

Gene: CPS1 (carbamoyl-phosphate synthase 1; plus strand). Cytogenetic location: 2q34.
Variant type: single nucleotide variant.
Coding change: c.2308G>A on transcript NM_001875.5 (MANE Select); coding-DNA position 2308, G replaced by A.
Protein change: p.Val770Ile; replaces valine 770 with isoleucine.
Molecular consequence: missense variant. On other transcripts: non-coding transcript variant (2).
Genome position (GRCh38, 1-based): chr2:210,608,476, G>A. VCF-style: chr2-210608476-G-A. GRCh37 (hg19) VCF-style: chr2-211473200-G-A.
Other names: c.2308G>A, p.Val770Ile (NM_001122633.3, NM_001369257.1); c.2341G>A, p.Val781Ile (NM_001369256.1); c.2308G>A (NM_001875.4); short protein forms V770I, V781I.
Identifiers: ClinVar variation 1446268 (VCV001446268.6), dbSNP rs1237628982, ClinGen allele CA350439664.

ClinVar aggregate classification (germline): Uncertain significance. Review status: criteria provided, multiple submitters, no conflicts (2 of 4 stars). 2 submissions from 2 submitters: Uncertain significance (2). Last evaluated 2025-03-18.

Conditions:
Congenital hyperammonemia, type I. Also called: Carbamoyl phosphate synthetase I deficiency disease; Carbamoyl-phosphate synthase I deficiency; Carbamoyl phosphate synthetase 1 deficiency; Hyperammonemia due to carbamoyl phosphate synthetase 1 deficiency; CPS 1 deficiency; Carbamyl phosphate synthetase (CPS) deficiency. Identifiers: Orphanet 147, MedGen C4082171, MONDO:0009376, OMIM 237300.
Inborn genetic diseases. Identifiers: MedGen C0950123, MeSH D030342.

Allele frequency attached by ClinVar (database versions not stated): TOPMed below 0.00001; gnomAD 0.00001.
gnomAD v4.1: 1 of 1,612,394 alleles (0.000062%); highest among the groups gnomAD compares: Admixed American, 0.0017%; no homozygotes.

Submissions (2):

Labcorp Genetics (formerly Invitae), Labcorp
Classification: Uncertain significance for Congenital hyperammonemia, type I. Last evaluated: 2025-03-18. Review status: criteria provided, single submitter. Criteria: Invitae Variant Classification Sherloc (09022015). Collection method: clinical testing. Allele origin: germline.
Comment: This sequence change replaces valine, which is neutral and non-polar, with isoleucine, which is neutral and non-polar, at codon 770 of the CPS1 protein (p.Val770Ile). This variant is not present in population databases (gnomAD no frequency). This variant has not been reported in the literature in individuals affected with CPS1-related conditions. ClinVar contains an entry for this variant (Variation ID: 1446268). Invitae Evidence Modeling of protein sequence and biophysical properties (such as structural, functional, and spatial information, amino acid conservation, physicochemical variation, residue mobility, and thermodynamic stability) indicates that this missense variant is not expected to disrupt CPS1 protein function with a negative predictive value of 95%. In summary, the available evidence is currently insufficient to determine the role of this variant in disease. Therefore, it has been classified as a Variant of Uncertain Significance.

Ambry Genetics
Classification: Uncertain significance for Inborn genetic diseases. Last evaluated: 2022-06-01. Review status: criteria provided, single submitter. Criteria: Ambry Variant Classification Scheme 2023. Collection method: clinical testing. Allele origin: germline.